The following is an entry in ClinVar:

NM_001190737.2(NFIB):c.809A>G (p.Lys270Arg)

Gene: NFIB (nuclear factor I B; minus strand). Cytogenetic location: 9p23.
Variant type: single nucleotide variant.
Coding change: c.809A>G on transcript NM_001190737.2 (MANE Select); coding-DNA position 809, A replaced by G.
Protein change: p.Lys270Arg; replaces lysine 270 with arginine.
Molecular consequence: missense variant. On other transcripts: non-coding transcript variant (4).
Genome position (GRCh38, 1-based): chr9:14,146,805, T>C on the plus strand (A>G on the coding strand, the complement: NFIB is on the minus strand). VCF-style: chr9-14146805-T-C. GRCh37 (hg19) VCF-style: chr9-14146804-T-C.
Other names: c.797A>G, p.Lys266Arg (NM_001369472.1, NM_001369473.1, NM_001369460.1 and 2 more transcripts); c.794A>G, p.Lys265Arg (NM_001369474.1); c.584A>G, p.Lys195Arg (NM_001369475.1); c.782A>G, p.Lys261Arg (NM_001369476.1, NM_001369465.1, NM_001369467.1); c.755A>G, p.Lys252Arg (NM_001369477.1); c.572A>G, p.Lys191Arg (NM_001369478.1, NM_001369470.1); c.272A>G, p.Lys91Arg (NM_001369479.1, NM_001369480.1); c.809A>G, p.Lys270Arg (NM_001429577.1, NM_001369461.1, NM_001369464.1 and 2 more transcripts); and 4 more; short protein forms K195R, K296R, K266R, K18R, K191R, K222R, K252R, K261R.
Identifiers: ClinVar variation 5025731 (VCV005025731.1).
Genomic context (GRCh38, chr9:14,146,805, plus strand): 5'-TAAAAGTCTCCTGTAGGACTTGGTTCCATATTTTCATCTATGGATATAGTTTTGGGTCTT[T>C]TGCTGTTAAAATATGGCAATAGTTATATTAATGGGATTTCTGGGAAGATGTGTACATTTT-3'
Protein context (NP_001177666.1, residues 260-280): QRSLSSPPSS[Lys270Arg]RPKTISIDEN

ClinVar aggregate classification (germline): Uncertain significance (1 of 4 stars; one submission).

Conditions:
Inborn genetic diseases. Identifiers: MedGen C0950123, MeSH D030342.

Submission:

Ambry Genetics
Classification: Uncertain significance for Inborn genetic diseases. Last evaluated: 2026-09-11. Review status: criteria provided, single submitter. Criteria: Ambry Variant Classification Scheme 2023. Collection method: clinical testing. Allele origin: germline.
Comment: The c.809A>G (p.K270R) alteration is located in exon 6 (coding exon 6) of the NFIB gene. This alteration results from a A to G substitution at nucleotide position 809, causing the lysine (K) at amino acid position 270 to be replaced by an arginine (R). This variant was not reported in population-based cohorts in the Genome Aggregation Database (gnomAD). This amino acid position is highly conserved in available vertebrate species. This alteration is predicted to be tolerated by in silico analysis. In silico splice site analysis predicts that this alteration will result in the creation or strengthening of a novel splice acceptor site. Based on insufficient or conflicting evidence, the clinical significance of this alteration remains unclear.